The following is an entry in ClinVar:

ClinVar aggregate classification (germline): Conflicting classifications of pathogenicity. Review status: criteria provided, conflicting classifications (1 of 4 stars). 5 submissions from 3 submitters: Uncertain significance (2); Benign (1); Likely benign (2). Last evaluated 2026-01-20.

Conditions:
Leber congenital amaurosis 8 (LCA8). Identifiers: Orphanet 65, MedGen C3151202, MONDO:0013453, OMIM 613835.
Retinitis pigmentosa 12 (RP12). Also called: RP WITH OR WITHOUT PRESERVED PARAARTERIOLE RETINAL PIGMENT EPITHELIUM; RETINITIS PIGMENTOSA WITH OR WITHOUT PARAARTERIOLAR PRESERVATION OF RETINAL PIGMENT EPITHELIUM; RP WITH OR WITHOUT PPRPE. Identifiers: Orphanet 791, MedGen C1838647, MONDO:0010818, OMIM 600105.
Retinitis pigmentosa (RP). Identifiers: Orphanet 791, MedGen C0035334, MeSH D012174, MONDO:0019200, OMIM 268000. Inheritance: Autosomal dominant, autosomal recessive and X linked inheritance.
Pigmented paravenous retinochoroidal atrophy. Identifiers: Orphanet 251295, MedGen C1868310, MONDO:0008246, OMIM 172870.

Allele frequency attached by ClinVar (database versions not stated): 1000 Genomes Project 30x 0.00016; ExAC 0.00017; 1000 Genomes Project 0.00020; TOPMed 0.00042; gnomAD 0.00043 and 0.00046; ESP Exome Variant Server 0.00069.
gnomAD v4.1: 108 of 1,611,100 alleles (0.0067%); highest among the groups gnomAD compares: African/African-American, 0.13%; no homozygotes.

Submissions (5):

Labcorp Genetics (formerly Invitae), Labcorp
Classification: Likely benign for Leber congenital amaurosis 8; Retinitis pigmentosa 12. Last evaluated: 2026-01-20. Review status: criteria provided, single submitter. Criteria: Invitae Variant Classification Sherloc (09022015). Collection method: clinical testing. Allele origin: germline.

Blueprint Genetics
Classification: Likely benign. Last evaluated: 2024-03-26. Review status: criteria provided, single submitter. Criteria: ACMG Guidelines, 2015. Collection method: clinical testing. Allele origin: germline.

Illumina Laboratory Services, Illumina
Classification: Uncertain significance for Leber congenital amaurosis 8. Last evaluated: 2018-01-12. Review status: criteria provided, single submitter. Criteria: ICSL Variant Classification Criteria 13 December 2019. Collection method: clinical testing. Allele origin: germline.

Illumina Laboratory Services, Illumina
Classification: Uncertain significance for Retinitis pigmentosa. Last evaluated: 2018-01-12. Review status: criteria provided, single submitter. Criteria: ICSL Variant Classification Criteria 13 December 2019. Collection method: clinical testing. Allele origin: germline.

Illumina Laboratory Services, Illumina
Classification: Benign for Pigmented paravenous retinochoroidal atrophy. Last evaluated: 2018-01-12. Review status: criteria provided, single submitter. Criteria: ICSL Variant Classification Criteria 13 December 2019. Collection method: clinical testing. Allele origin: germline.
Comment: This variant was observed in the ICSL laboratory as part of a predisposition screen in an ostensibly healthy population. It had not been previously curated by ICSL or reported in the Human Gene Mutation Database (HGMD: prior to June 1st, 2018), and was therefore a candidate for classification through an automated scoring system. Utilizing variant allele frequency, disease prevalence and penetrance estimates, and inheritance mode, an automated score was calculated to assess if this variant is too frequent to cause the disease. Based on the score and internal cut-off values, a variant classified as benign is not then subjected to further curation. The score for this variant resulted in a classification of benign for this disease.

NM_201253.3(CRB1):c.3878+15A>T

Gene: CRB1 (crumbs cell polarity complex component 1; plus strand). Cytogenetic location: 1q31.3.
Variant type: single nucleotide variant.
Coding change: c.3878+15A>T on transcript NM_201253.3 (MANE Select); 15 bases into the intron after coding-DNA position 3878, A replaced by T.
Molecular consequence: intron variant.
Genome position (GRCh38, 1-based): chr1:197,438,690, A>T. VCF-style: chr1-197438690-A-T. GRCh37 (hg19) VCF-style: chr1-197407820-A-T.
Other names: c.3806+15A>T (NM_001257965.2); c.2270+15A>T (NM_001257966.2); c.3542+15A>T (NM_001193640.2).
Identifiers: ClinVar variation 294690 (VCV000294690.14), dbSNP rs200217112, ClinGen allele CA1312424.
Genomic context (GRCh38, chr1:197,438,690, plus strand): 5'-AGACTGAATTAAAATGTATGTGCCGGCCAGGTTTTACTGGAGAATGGTGAGTCACATTAG[A>T]GCCTTCTGGAAGAGAATTCTGAGCTAAAGAATGATGGGATTACTCAAAGTTCATTTTCTC-3'